The following is an entry in ClinVar:

ClinVar aggregate classification (germline): Likely benign. Review status: criteria provided, multiple submitters, no conflicts (2 of 4 stars). 2 submissions from 2 submitters: Likely benign (2). Last evaluated 2026-07-28.

Conditions:
TGFB1-related disorder. Also called: TGFB1-related condition.

Allele frequency attached by ClinVar (database versions not stated): TOPMed 0.00003; ExAC 0.00002; gnomAD exomes 0.00002; gnomAD 0.00003.
gnomAD v4.1: 32 of 1,614,028 alleles (0.002%); highest among the groups gnomAD compares: African/African-American, 0.004%; no homozygotes.

Submissions (2):

PreventionGenetics, part of Exact Sciences
Classification: Likely benign for TGFB1-related condition. Last evaluated: 2026-07-28. Review status: criteria provided, single submitter. Criteria: ACMG Guidelines, 2015. Collection method: clinical testing. Allele origin: germline.
Comment: This variant is classified as likely benign based on ACMG/AMP sequence variant interpretation guidelines (Richards et al. 2015 PMID: 25741868, with internal and published modifications).

Labcorp Genetics (formerly Invitae), Labcorp
Classification: Likely benign. Last evaluated: 2025-02-14. Review status: criteria provided, single submitter. Criteria: Invitae Variant Classification Sherloc (09022015). Collection method: clinical testing. Allele origin: germline.

NM_000660.7(TGFB1):c.969C>T (p.Leu323=)

Gene: TGFB1 (transforming growth factor beta 1; minus strand). Cytogenetic location: 19q13.2.
Variant type: single nucleotide variant.
Coding change: c.969C>T on transcript NM_000660.7 (MANE Select); coding-DNA position 969, C replaced by T.
Protein change: p.Leu323=; no amino-acid change (leucine 323 retained).
Molecular consequence: synonymous variant.
Genome position (GRCh38, 1-based): chr19:41,332,173, G>A on the plus strand (C>T on the coding strand, the complement: TGFB1 is on the minus strand). VCF-style: chr19-41332173-G-A. GRCh37 (hg19) VCF-style: chr19-41838078-G-A.
Other names: c.969C>T (NM_000660.6).
Identifiers: ClinVar variation 1958983 (VCV001958983.6), dbSNP rs776406237, ClinGen allele CA9459941.